The following is an entry in ClinVar:

ClinVar aggregate classification (germline): Benign/Likely benign. Review status: criteria provided, multiple submitters, no conflicts (2 of 4 stars). 8 submissions from 8 submitters: Benign (4); Likely benign (4). Last evaluated 2026-01-24.

Conditions:
Autosomal recessive hypophosphatemic bone disease (HHRH). Also called: Hypophosphatemic rickets with hypercalciuria; HYPERCALCIURIC RICKETS. Identifiers: Orphanet 157215, MedGen C1853271, MONDO:0009431, OMIM 241530.

Allele frequency attached by ClinVar (database versions not stated): 1000 Genomes Project 0.00040; 1000 Genomes Project 30x 0.00047; TOPMed 0.00436; gnomAD 0.00467; ESP Exome Variant Server 0.00523.

Submissions (8):

Labcorp Genetics (formerly Invitae), Labcorp
Classification: Benign. Last evaluated: 2026-01-24. Review status: criteria provided, single submitter. Criteria: Invitae Variant Classification Sherloc (09022015). Collection method: clinical testing. Allele origin: germline.

CeGaT Center for Human Genetics Tuebingen
Classification: Likely benign. Last evaluated: 2025-11-01. Review status: criteria provided, single submitter. Criteria: CeGaT Center For Human Genetics Tuebingen Variant Classification Criteria Version 2. Collection method: clinical testing. Allele origin: germline. Affected: yes. Observed: 4 variant alleles.
Comment: SLC34A3: BP4, BP7, BS2

Women's Health and Genetics/Laboratory Corporation of America, LabCorp
Classification: Benign. Last evaluated: 2025-09-05. Review status: criteria provided, single submitter. Criteria: LabCorp Variant Classification Summary - May 2015. Collection method: clinical testing. Allele origin: germline.

ARUP Laboratories, Molecular Genetics and Genomics, ARUP Laboratories
Classification: Benign for Autosomal recessive hypophosphatemic bone disease. Last evaluated: 2025-01-09. Review status: criteria provided, single submitter. Criteria: ARUP Molecular Germline Variant Investigation Process 2024. Collection method: clinical testing. Allele origin: germline.

Blueprint Genetics
Classification: Likely benign. Last evaluated: 2024-11-22. Review status: criteria provided, single submitter. Criteria: ACMG Guidelines, 2015. Collection method: clinical testing. Allele origin: germline.

GeneDx
Classification: Likely benign. Last evaluated: 2021-04-27. Review status: criteria provided, single submitter. Criteria: GeneDx Variant Classification Process June 2021. Collection method: clinical testing. Allele origin: germline. Affected: yes.
Comment: This variant is associated with the following publications: (PMID: 16358215)

Laboratory for Molecular Medicine, Mass General Brigham Personalized Medicine
Classification: Benign. Last evaluated: 2016-03-21. Review status: criteria provided, single submitter. Criteria: LMM Criteria. Collection method: clinical testing. Allele origin: germline. Observed: 1 variant allele.
Comment: p.Leu209Leu in exon 7 of SLC34A3: This variant is not expected to have clinical significance because it does not alter an amino acid residue, is not located wit hin the splice consensus sequence, and has been identified in 1.62% (257/15850) of European chromosomes by the Exome Aggregation Consortium (ExAC; dbSNP rs34796681).

Breakthrough Genomics
Classification: Likely benign. Review status: criteria provided, single submitter. Criteria: ACMG Guidelines, 2015. Collection method: not provided. Allele origin: germline. Inheritance: Autosomal recessive inheritance. Affected: yes.

NM_001177316.2(SLC34A3):c.625C>T (p.Leu209=)

Gene: SLC34A3 (solute carrier family 34 member 3; plus strand). Cytogenetic location: 9q34.3.
Variant type: single nucleotide variant.
Coding change: c.625C>T on transcript NM_001177316.2 (MANE Select); coding-DNA position 625, C replaced by T.
Protein change: p.Leu209=; no amino-acid change (leucine 209 retained).
Molecular consequence: synonymous variant.
Genome position (GRCh38, 1-based): chr9:137,233,273, C>T. VCF-style: chr9-137233273-C-T. GRCh37 (hg19) VCF-style: chr9-140127725-C-T.
Other names: c.625C>T, p.Leu209= (NM_001177317.2, NM_080877.3).
Identifiers: ClinVar variation 504908 (VCV000504908.48), dbSNP rs34796681, ClinGen allele CA5364501.